The following is an entry in ClinVar:

ClinVar aggregate classification (germline): Uncertain significance. Review status: criteria provided, multiple submitters, no conflicts (2 of 4 stars). 3 submissions from 3 submitters: Uncertain significance (3). Last evaluated 2024-08-14.

Conditions:
Cardiomyopathy (CMYO). Also called: Cardiomyopathies. Identifiers: Orphanet 167848, MedGen C0878544, MONDO:0004994, HP:0001638. Inheritance: Various modes of inheritance.
Cardiovascular phenotype. Identifiers: MedGen CN230736.
Arrhythmogenic right ventricular dysplasia 8 (ARVD8). Also called: Arrhythmogenic Right Ventricular Dysplasia/Cardiomyopathy 8; ARRHYTHMOGENIC RIGHT VENTRICULAR DYSPLASIA, FAMILIAL, 8; ARRHYTHMOGENIC RIGHT VENTRICULAR CARDIOMYOPATHY 8. Identifiers: MedGen C1843896, MONDO:0011831, OMIM 607450.
Arrhythmogenic cardiomyopathy with wooly hair and keratoderma. Also called: PALMOPLANTAR KERATODERMA WITH LEFT VENTRICULAR CARDIOMYOPATHY AND WOOLLY HAIR; Carvajal syndrome; Dilated cardiomyopathy with woolly hair and keratoderma; Arrhythmogenic cardiomyopathy with woolly hair and keratoderma. Identifiers: Orphanet 65282, MedGen C1854063, MONDO:0011581, OMIM 605676.

Allele frequency attached by ClinVar (database versions not stated): gnomAD exomes below 0.00001; TOPMed 0.00002.
gnomAD v4.1: 1 of 1,613,964 alleles (0.000062%); highest among the groups gnomAD compares: Non-Finnish European, 0.000085%; no homozygotes.

Submissions (3):

Labcorp Genetics (formerly Invitae), Labcorp
Classification: Uncertain significance for Arrhythmogenic cardiomyopathy with wooly hair and keratoderma; Arrhythmogenic right ventricular dysplasia 8. Last evaluated: 2024-08-14. Review status: criteria provided, single submitter. Criteria: Invitae Variant Classification Sherloc (09022015). Collection method: clinical testing. Allele origin: germline.
Comment: This sequence change replaces proline, which is neutral and non-polar, with leucine, which is neutral and non-polar, at codon 2814 of the DSP protein (p.Pro2814Leu). This variant is not present in population databases (gnomAD no frequency). This variant has not been reported in the literature in individuals affected with DSP-related conditions. ClinVar contains an entry for this variant (Variation ID: 922823). An algorithm developed to predict the effect of missense changes on protein structure and function (PolyPhen-2) suggests that this variant is likely to be tolerated. In summary, the available evidence is currently insufficient to determine the role of this variant in disease. Therefore, it has been classified as a Variant of Uncertain Significance.

Color Diagnostics, LLC DBA Color Health
Classification: Uncertain significance for Cardiomyopathy. Last evaluated: 2023-12-05. Review status: criteria provided, single submitter. Criteria: ACMG Guidelines, 2015. Collection method: clinical testing. Allele origin: germline.
Comment: Variant of Uncertain Significance due to insufficient evidence: This missense variant replaces proline with leucine at codon 2814 of the DSP protein. Computational prediction tools and conservation analyses are inconclusive regarding the impact of this variant on the protein function. Computational splicing tools suggest that this variant may not impact RNA splicing. To our knowledge, functional assays have not been performed for this variant nor has this variant been reported in individuals affected with cardiovascular disorders in the literature. This variant has not been identified in the general population by the Genome Aggregation Database (gnomAD). Available evidence is insufficient to determine the role of this variant in disease conclusively.

Ambry Genetics
Classification: Uncertain significance for Cardiovascular phenotype. Last evaluated: 2019-02-20. Review status: criteria provided, single submitter. Criteria: Ambry Variant Classification Scheme 2023. Collection method: clinical testing. Allele origin: germline.
Comment: The p.P2814L variant (also known as c.8441C>T), located in coding exon 24 of the DSP gene, results from a C to T substitution at nucleotide position 8441. The proline at codon 2814 is replaced by leucine, an amino acid with similar properties. This amino acid position is not well conserved in available vertebrate species. In addition, this alteration is predicted to be tolerated by in silico analysis. Since supporting evidence is limited at this time, the clinical significance of this alteration remains unclear.

NM_004415.4(DSP):c.8441C>T (p.Pro2814Leu)

Gene: DSP (desmoplakin; plus strand). Cytogenetic location: 6p24.3.
Variant type: single nucleotide variant.
Coding change: c.8441C>T on transcript NM_004415.4 (MANE Select); coding-DNA position 8441, C replaced by T.
Protein change: p.Pro2814Leu; replaces proline 2814 with leucine.
Molecular consequence: missense variant.
Genome position (GRCh38, 1-based): chr6:7,585,703, C>T. VCF-style: chr6-7585703-C-T. GRCh37 (hg19) VCF-style: chr6-7585936-C-T.
Other names: c.6644C>T, p.Pro2215Leu (NM_001008844.3); c.7112C>T, p.Pro2371Leu (NM_001319034.2); short protein forms P2814L, P2215L, P2371L.
Identifiers: ClinVar variation 922823 (VCV000922823.9), dbSNP rs756310918, ClinGen allele CA362695154.